The following is an entry in ClinVar:

NM_000722.4(CACNA2D1):c.2070T>G (p.Ile690Met)

Gene: CACNA2D1 (calcium voltage-gated channel auxiliary subunit alpha2delta 1; minus strand). Cytogenetic location: 7q21.11.
Variant type: single nucleotide variant.
Coding change: c.2070T>G on transcript NM_000722.4 (MANE Select); coding-DNA position 2070, T replaced by G.
Protein change: p.Ile690Met; replaces isoleucine 690 with methionine.
Molecular consequence: missense variant.
Genome position (GRCh38, 1-based): chr7:81,971,848, A>C on the plus strand (T>G on the coding strand, the complement: CACNA2D1 is on the minus strand). VCF-style: chr7-81971848-A-C. GRCh37 (hg19) VCF-style: chr7-81601164-A-C.
Other names: c.2106T>G, p.Ile702Met (NM_001366867.1); short protein forms I690M, I702M.
Identifiers: ClinVar variation 532057 (VCV000532057.8), dbSNP rs1554333986, ClinGen allele CA367891824.

ClinVar aggregate classification (germline): Uncertain significance (1 of 4 stars; one submission).

Conditions:
Brugada syndrome. Also called: Sudden unexplained nocturnal death syndrome; Sudden unexpected nocturnal death syndrome; Sudden Unexplained Death Syndrome; Sudden Unexplained Nocturnal Death Syndrome (SUNDS). Identifiers: Orphanet 130, MedGen C1142166, MONDO:0015263.

Submission:

Labcorp Genetics (formerly Invitae), Labcorp
Classification: Uncertain significance for Brugada syndrome. Last evaluated: 2017-08-22. Review status: criteria provided, single submitter. Criteria: Invitae Variant Classification Sherloc (09022015). Collection method: clinical testing. Allele origin: germline.
Comment: In summary, the available evidence is currently insufficient to determine the role of this variant in disease. Therefore, it has been classified as a Variant of Uncertain Significance. Algorithms developed to predict the effect of missense changes on protein structure and function (SIFT, PolyPhen-2, Align-GVGD) all suggest that this variant is likely to be tolerated, but these predictions have not been confirmed by published functional studies and their clinical significance is uncertain. This variant has not been reported in the literature in individuals with CACNA2D1-related disease. This variant is not present in population databases (ExAC no frequency). This sequence change replaces isoleucine with methionine at codon 690 of the CACNA2D1 protein (p.Ile690Met). The isoleucine residue is weakly conserved and there is a small physicochemical difference between isoleucine and methionine.